The following is an entry in ClinVar:

NM_001365999.1(SZT2):c.9472C>G (p.Arg3158Gly)

Genes: SZT2 (SZT2 subunit of KICSTOR complex; plus strand), SZT2-AS1 (SZT2 antisense RNA 1; minus strand). Cytogenetic location: 1p34.2.
Variant type: single nucleotide variant.
Coding change: c.9472C>G on transcript NM_001365999.1 (MANE Select); coding-DNA position 9472, C replaced by G.
Protein change: p.Arg3158Gly; replaces arginine 3158 with glycine.
Molecular consequence: missense variant. On other transcripts: non-coding transcript variant (1).
Genome position (GRCh38, 1-based): chr1:43,447,880, C>G. VCF-style: chr1-43447880-C-G. GRCh37 (hg19) VCF-style: chr1-43913551-C-G.
Other names: c.9301C>G, p.Arg3101Gly (NM_015284.4); short protein forms R3158G, R3101G.
Identifiers: ClinVar variation 1390160 (VCV001390160.6), dbSNP rs1304526156, ClinGen allele CA340043352.

ClinVar aggregate classification (germline): Uncertain significance (1 of 4 stars; one submission).

Submission:

Labcorp Genetics (formerly Invitae), Labcorp
Classification: Uncertain significance. Last evaluated: 2021-10-29. Review status: criteria provided, single submitter. Criteria: Invitae Variant Classification Sherloc (09022015). Collection method: clinical testing. Allele origin: germline.
Comment: In summary, the available evidence is currently insufficient to determine the role of this variant in disease. Therefore, it has been classified as a Variant of Uncertain Significance. Algorithms developed to predict the effect of missense changes on protein structure and function (SIFT, PolyPhen-2, Align-GVGD) all suggest that this variant is likely to be tolerated. This variant has not been reported in the literature in individuals affected with SZT2-related conditions. This variant is not present in population databases (gnomAD no frequency). This sequence change replaces arginine, which is basic and polar, with glycine, which is neutral and non-polar, at codon 3101 of the SZT2 protein (p.Arg3101Gly).